The following is an entry in ClinVar:

ClinVar aggregate classification (germline): Uncertain significance. Review status: criteria provided, multiple submitters, no conflicts (2 of 4 stars). 5 submissions from 4 submitters: Uncertain significance (5). Last evaluated 2024-11-14.

Conditions:
Inborn genetic diseases. Identifiers: MedGen C0950123, MeSH D030342.
Ectopia lentis et pupillae. Also called: ECTOPIA LENTIS WITH ECTOPIA OF PUPIL. Identifiers: Orphanet 1885, MedGen C1644196, MONDO:0009153, OMIM 225200.
Ectopia lentis 2, isolated, autosomal recessive (ECTOL2). Identifiers: Orphanet 1885, MedGen C3541474, MONDO:0009152, OMIM 225100.

Allele frequency attached by ClinVar (database versions not stated): gnomAD 0.00001 and 0.00003; TOPMed 0.00001; ExAC 0.00003; gnomAD exomes 0.00003 and 0.00011; 1000 Genomes Project 30x 0.00016; 1000 Genomes Project 0.00020.

Submissions (5):

Ambry Genetics
Classification: Uncertain significance for Inborn genetic diseases. Last evaluated: 2024-11-14. Review status: criteria provided, single submitter. Criteria: Ambry Variant Classification Scheme 2023. Collection method: clinical testing. Allele origin: germline.

Genome-Nilou Lab
Classification: Uncertain significance for Ectopia lentis et pupillae. Last evaluated: 2023-04-11. Review status: criteria provided, single submitter. Criteria: ACMG Guidelines, 2015. Collection method: clinical testing. Allele origin: germline. Affected: no.

Genome-Nilou Lab
Classification: Uncertain significance for Ectopia lentis 2, isolated, autosomal recessive. Last evaluated: 2023-04-11. Review status: criteria provided, single submitter. Criteria: ACMG Guidelines, 2015. Collection method: clinical testing. Allele origin: germline. Affected: no.

Labcorp Genetics (formerly Invitae), Labcorp
Classification: Uncertain significance. Last evaluated: 2022-09-06. Review status: criteria provided, single submitter. Criteria: Invitae Variant Classification Sherloc (09022015). Collection method: clinical testing. Allele origin: germline.
Comment: This sequence change replaces glycine, which is neutral and non-polar, with alanine, which is neutral and non-polar, at codon 988 of the ADAMTSL4 protein (p.Gly988Ala). This variant is present in population databases (rs200172019, gnomAD 0.03%). This variant has not been reported in the literature in individuals affected with ADAMTSL4-related conditions. ClinVar contains an entry for this variant (Variation ID: 292564). Algorithms developed to predict the effect of missense changes on protein structure and function (SIFT, PolyPhen-2, Align-GVGD) all suggest that this variant is likely to be disruptive. In summary, the available evidence is currently insufficient to determine the role of this variant in disease. Therefore, it has been classified as a Variant of Uncertain Significance.

Illumina Laboratory Services, Illumina
Classification: Uncertain significance for Ectopia lentis 2, isolated, autosomal recessive. Last evaluated: 2018-01-13. Review status: criteria provided, single submitter. Criteria: ICSL Variant Classification Criteria 13 December 2019. Collection method: clinical testing. Allele origin: germline.

NM_019032.6(ADAMTSL4):c.2963G>C (p.Gly988Ala)

Gene: ADAMTSL4 (ADAMTS like 4; plus strand). Cytogenetic location: 1q21.2.
Variant type: single nucleotide variant.
Coding change: c.2963G>C on transcript NM_019032.6 (MANE Select); coding-DNA position 2963, G replaced by C.
Protein change: p.Gly988Ala; replaces glycine 988 with alanine.
Molecular consequence: missense variant.
Genome position (GRCh38, 1-based): chr1:150,559,780, G>C. VCF-style: chr1-150559780-G-C. GRCh37 (hg19) VCF-style: chr1-150532256-G-C.
Other names: c.2846G>C, p.Gly949Ala (NM_001288607.2); c.3032G>C, p.Gly1011Ala (NM_001288608.2); c.2963G>C, p.Gly988Ala (NM_001378596.1); short protein forms G988A, G1011A, G949A.
Identifiers: ClinVar variation 292564 (VCV000292564.9), dbSNP rs200172019, ClinGen allele CA1078911.